The following is an entry in ClinVar:

NC_000002.11:g.(?_47168661)_(47238594_?)del

Genes: MCFD2 (multiple coagulation factor deficiency 2, ER cargo receptor complex subunit; minus strand), TTC7A (tetratricopeptide repeat domain 7A; plus strand). Cytogenetic location: 2p21.
Variant type: Deletion.
Identifiers: ClinVar variation 1073084 (VCV001073084.3).

ClinVar aggregate classification (germline): Pathogenic (1 of 4 stars; one submission).

Conditions:
Multiple gastrointestinal atresias. Also called: FAMILIAL INTESTINAL POLYATRESIA SYNDROME; Multiple intestinal atresia. Identifiers: Orphanet 2300, MedGen C0220744, MONDO:0009465.

Submission:

Labcorp Genetics (formerly Invitae), Labcorp
Classification: Pathogenic for Multiple gastrointestinal atresias. Last evaluated: 2020-03-09. Review status: criteria provided, single submitter. Criteria: Invitae Variant Classification Sherloc (09022015). Collection method: clinical testing. Allele origin: germline.
Comment: For these reasons, this variant has been classified as Pathogenic. Loss-of-function variants in TTC7A are known to be pathogenic (PMID: 23830146, 24292712). This variant has not been reported in the literature in individuals with TTC7A-related conditions. This variant is a gross deletion of the genomic region encompassing exons 1-11 of the TTC7A gene, which includes the initiator codon. The 5' end of this event is unknown as it extends beyond the assayed region for this gene and therefore may encompass additional genes. The 3' boundary is likely confined to intron 11 of the TTC7A gene. This is expected to result in an absent or disrupted protein product.

Literature cited by the submitters: PubMed 23830146; PubMed 24292712.